The following is an entry in ClinVar:

ClinVar aggregate classification (germline): Uncertain significance (1 of 4 stars; one submission).

Conditions:
Mucopolysaccharidosis, MPS-III-B (MPS3B). Also called: N-ACETYL-ALPHA-D-GLUCOSAMINIDASE DEFICIENCY; NAGLU DEFICIENCY; SANFILIPPO SYNDROME B; MPS III B; MPS IIIB (Sanfilippo Syndrome Type B); MUCOPOLYSACCHARIDOSIS, TYPE IIIB. Identifiers: Orphanet 79270, MedGen C0086648, MONDO:0009656, OMIM 252920.
Charcot-Marie-Tooth disease axonal type 2V. Also called: CHARCOT-MARIE-TOOTH NEUROPATHY, TYPE 2V; CHARCOT-MARIE-TOOTH DISEASE, AXONAL, AUTOSOMAL DOMINANT, TYPE 2V. Identifiers: Orphanet 447964, MedGen C5569050, MONDO:0014665, OMIM 616491.

Allele frequency attached by ClinVar (database versions not stated): TOPMed 0.00002.
gnomAD v4.1: 1 of 1,205,314 alleles (0.000083%); highest among the groups gnomAD compares: Non-Finnish European, 0.0001%; no homozygotes.

Submission:

Labcorp Genetics (formerly Invitae), Labcorp
Classification: Uncertain significance for Charcot-Marie-Tooth disease axonal type 2V; Mucopolysaccharidosis, MPS-III-B. Last evaluated: 2023-10-02. Review status: criteria provided, single submitter. Criteria: Invitae Variant Classification Sherloc (09022015). Collection method: clinical testing. Allele origin: germline.
Comment: This sequence change replaces alanine, which is neutral and non-polar, with valine, which is neutral and non-polar, at codon 26 of the NAGLU protein (p.Ala26Val). This variant is not present in population databases (gnomAD no frequency). This variant has not been reported in the literature in individuals affected with NAGLU-related conditions. ClinVar contains an entry for this variant (Variation ID: 1518017). Advanced modeling of protein sequence and biophysical properties (such as structural, functional, and spatial information, amino acid conservation, physicochemical variation, residue mobility, and thermodynamic stability) performed at Invitae indicates that this missense variant is expected to disrupt NAGLU protein function. In summary, the available evidence is currently insufficient to determine the role of this variant in disease. Therefore, it has been classified as a Variant of Uncertain Significance.

NM_000263.4(NAGLU):c.77C>T (p.Ala26Val)

Genes: NAGLU (N-acetyl-alpha-glucosaminidase; plus strand), LOC130060903 (ATAC-STARR-seq lymphoblastoid silent region 8533; plus strand). Cytogenetic location: 17q21.2.
Variant type: single nucleotide variant.
Coding change: c.77C>T on transcript NM_000263.4 (MANE Select); coding-DNA position 77, C replaced by T.
Protein change: p.Ala26Val; replaces alanine 26 with valine.
Molecular consequence: missense variant.
Genome position (GRCh38, 1-based): chr17:42,536,349, C>T. VCF-style: chr17-42536349-C-T. GRCh37 (hg19) VCF-style: chr17-40688367-C-T.
Other names: short protein forms A26V.
Identifiers: ClinVar variation 1518017 (VCV001518017.4), dbSNP rs988433554, ClinGen allele CA290771244.